The following is an entry in ClinVar:

NM_017534.6(MYH2):c.277A>G (p.Met93Val)

Genes: MYH2 (myosin heavy chain 2; minus strand), MYHAS (myosin heavy chain gene cluster antisense RNA; plus strand). Cytogenetic location: 17p13.1.
Variant type: single nucleotide variant.
Coding change: c.277A>G on transcript NM_017534.6 (MANE Select); coding-DNA position 277, A replaced by G.
Protein change: p.Met93Val; replaces methionine 93 with valine.
Molecular consequence: missense variant.
Genome position (GRCh38, 1-based): chr17:10,547,546, T>C on the plus strand (A>G on the coding strand, the complement: MYH2 is on the minus strand). VCF-style: chr17-10547546-T-C. GRCh37 (hg19) VCF-style: chr17-10450863-T-C.
Other names: c.277A>G (NM_017534.5); c.277A>G, p.Met93Val (NM_001100112.2); short protein forms M93V.
Identifiers: ClinVar variation 2723999 (VCV002723999.10), dbSNP rs1452623578, ClinGen allele CA398172661.

ClinVar aggregate classification (germline): Uncertain significance. Review status: criteria provided, multiple submitters, no conflicts (2 of 4 stars). 3 submissions from 3 submitters: Uncertain significance (3). Last evaluated 2025-12-30.

Conditions:
Inborn genetic diseases. Identifiers: MedGen C0950123, MeSH D030342.
Myopathy, proximal, and ophthalmoplegia (CMYO6). Also called: CONGENITAL MYOPATHY 6 WITH OPHTHALMOPLEGIA; MYOPATHY WITH CONGENITAL JOINT CONTRACTURES, OPHTHALMOPLEGIA, AND RIMMED VACUOLES; INCLUSION BODY MYOPATHY 3, AUTOSOMAL DOMINANT. Identifiers: Orphanet 363677, Orphanet 79091, MedGen C1854106, MONDO:0011577, OMIM 605637.

Allele frequency attached by ClinVar (database versions not stated): gnomAD exomes 0.00001.
gnomAD v4.1: 4 of 1,614,064 alleles (0.00025%); highest among the groups gnomAD compares: African/African-American, 0.0027%; no homozygotes.

Submissions (3):

Ambry Genetics
Classification: Uncertain significance for Inborn genetic diseases. Last evaluated: 2025-12-30. Review status: criteria provided, single submitter. Criteria: Ambry Variant Classification Scheme 2023. Collection method: clinical testing. Allele origin: germline.

CeGaT Center for Human Genetics Tuebingen
Classification: Uncertain significance. Last evaluated: 2025-09-01. Review status: criteria provided, single submitter. Criteria: CeGaT Center For Human Genetics Tuebingen Variant Classification Criteria Version 2. Collection method: clinical testing. Allele origin: germline. Affected: yes. Observed: 1 variant allele.
Comment: MYH2: PM2

Labcorp Genetics (formerly Invitae), Labcorp
Classification: Uncertain significance for Myopathy, proximal, and ophthalmoplegia. Last evaluated: 2022-10-30. Review status: criteria provided, single submitter. Criteria: Invitae Variant Classification Sherloc (09022015). Collection method: clinical testing. Allele origin: germline.
Comment: This sequence change replaces methionine, which is neutral and non-polar, with valine, which is neutral and non-polar, at codon 93 of the MYH2 protein (p.Met93Val). This variant has not been reported in the literature in individuals affected with MYH2-related conditions. Advanced modeling of protein sequence and biophysical properties (such as structural, functional, and spatial information, amino acid conservation, physicochemical variation, residue mobility, and thermodynamic stability) performed at Invitae indicates that this missense variant is expected to disrupt MYH2 protein function. In summary, the available evidence is currently insufficient to determine the role of this variant in disease. Therefore, it has been classified as a Variant of Uncertain Significance. This variant is not present in population databases (gnomAD no frequency).